The following is an entry in ClinVar:

ClinVar aggregate classification (germline): Uncertain significance (1 of 4 stars; one submission).

Submission:

CeGaT Center for Human Genetics Tuebingen
Classification: Uncertain significance. Last evaluated: 2026-05-01. Review status: criteria provided, single submitter. Criteria: CeGaT Center For Human Genetics Tuebingen Variant Classification Criteria Version 2. Collection method: clinical testing. Allele origin: germline. Affected: yes. Observed: 1 variant allele.
Comment: MFN2: PM2, PM3, PM4:Supporting

NM_014874.4(MFN2):c.1026GAG[1] (p.Arg344del)

Gene: MFN2 (mitofusin 2; plus strand). Cytogenetic location: 1p36.22.
Variant type: Microsatellite.
Coding change: c.1026GAG[1] on transcript NM_014874.4 (MANE Select); one copy of the 3-base unit GAG starting at c.1026; the reference has two copies in a row; one copy, 3 bases deleted.
Protein change: p.Arg344del; deletes arginine 344.
Molecular consequence: inframe deletion.
Genome position (GRCh38, 1-based): chr1:12,001,827-12,001,829, GAG deleted; deleting any 3 consecutive bases within chr1:12,001,824-12,001,829 gives the same sequence; the position shown is the placement nearest the transcript's 3' end. VCF-style (leftmost placement, unchanged base first): chr1-12001823-AGAG-A. GRCh37 (hg19) VCF-style: chr1-12061880-AGAG-A.
Other names: c.1026GAG[1], p.Arg344del (NM_001127660.2); short protein forms R344del.
Identifiers: ClinVar variation 4874987 (VCV004874987.2).
Genomic context (GRCh38, chr1:12,001,823, plus strand): 5'-TCCTAGGGGGCGCTCTCGCAGAAGGCTTTCAAGTGAGGATGTTTGAGTTTCAGAATTTTG[AGAG>A]GAGATTTGAGGTGAGTCCTCTGATTCTGGTATCTGGCGATTCTGTGCCTCCCCAGCTCCC-3'